The following is an entry in ClinVar:

ClinVar aggregate classification (germline): Benign/Likely benign. Review status: criteria provided, multiple submitters, no conflicts (2 of 4 stars). 8 submissions from 8 submitters: Benign (6); Likely benign (1). 1 of the submissions does not count toward it. Last evaluated 2026-02-23.

Conditions:
Citrullinemia. Identifiers: Orphanet 187, MedGen C0175683, MONDO:0015991.
Citrullinemia type I (CTNL1). Also called: ASS DEFICIENCY; argininosuccinate synthetase deficiency. Identifiers: Orphanet 247525, MedGen C4721769, MONDO:0008988, OMIM 215700.

Allele frequency attached by ClinVar (database versions not stated): gnomAD exomes 0.00068 and 0.00170; ExAC 0.00207; 1000 Genomes Project 0.00639; 1000 Genomes Project 30x 0.00656; gnomAD 0.00680 and 0.00735; ESP Exome Variant Server 0.00769; TOPMed 0.00778.
gnomAD v4.1: 2,095 of 1,613,978 alleles (0.13%); highest among the groups gnomAD compares: African/African-American, 2.5%; 24 homozygotes.

Submissions (8):

Women's Health and Genetics/Laboratory Corporation of America, LabCorp
Classification: Likely benign. Last evaluated: 2026-02-23. Review status: criteria provided, single submitter. Criteria: LabCorp Variant Classification Summary - May 2015. Collection method: clinical testing. Allele origin: germline.

Labcorp Genetics (formerly Invitae), Labcorp
Classification: Benign for Citrullinemia. Last evaluated: 2026-01-31. Review status: criteria provided, single submitter. Criteria: Invitae Variant Classification Sherloc (09022015). Collection method: clinical testing. Allele origin: germline.

ARUP Laboratories, Molecular Genetics and Genomics, ARUP Laboratories
Classification: Benign for Citrullinemia type I. Last evaluated: 2019-10-01. Review status: criteria provided, single submitter. Criteria: ARUP Molecular Germline Variant Investigation Process. Collection method: clinical testing. Allele origin: germline.

Illumina Laboratory Services, Illumina
Classification: Benign for Citrullinemia type I. Last evaluated: 2018-01-13. Review status: criteria provided, single submitter. Criteria: ICSL Variant Classification Criteria 13 December 2019. Collection method: clinical testing. Allele origin: germline.
Comment: This variant was observed in the ICSL laboratory as part of a predisposition screen in an ostensibly healthy population. It had not been previously curated by ICSL or reported in the Human Gene Mutation Database (HGMD: prior to June 1st, 2018), and was therefore a candidate for classification through an automated scoring system. Utilizing variant allele frequency, disease prevalence and penetrance estimates, and inheritance mode, an automated score was calculated to assess if this variant is too frequent to cause the disease. Based on the score and internal cut-off values, a variant classified as benign is not then subjected to further curation. The score for this variant resulted in a classification of benign for this disease.

GeneDx
Classification: Benign. Last evaluated: 2014-09-11. Review status: criteria provided, single submitter. Criteria: GeneDx Variant Classification (06012015). Collection method: clinical testing. Allele origin: germline. Affected: yes.
Comment: This variant is considered likely benign or benign based on one or more of the following criteria: it is a conservative change, it occurs at a poorly conserved position in the protein, it is predicted to be benign by multiple in silico algorithms, and/or has population frequency not consistent with disease.

Breakthrough Genomics
Classification: Benign. Review status: criteria provided, single submitter. Criteria: ACMG Guidelines, 2015. Collection method: not provided. Allele origin: germline. Inheritance: Autosomal recessive inheritance. Affected: yes.

PreventionGenetics, part of Exact Sciences
Classification: Benign. Review status: criteria provided, single submitter. Criteria: ACMG Guidelines, 2015. Collection method: clinical testing. Allele origin: germline.

Natera, Inc.
Classification: Likely benign for Citrullinemia type I. Last evaluated: 2017-05-05. Review status: no assertion criteria provided. Collection method: clinical testing. Allele origin: germline. Not counted in ClinVar's aggregate classification.

NM_054012.4(ASS1):c.675C>T (p.Ile225=)

Gene: ASS1 (argininosuccinate synthase 1; plus strand). Cytogenetic location: 9q34.11.
Variant type: single nucleotide variant.
Coding change: c.675C>T on transcript NM_054012.4 (MANE Select); coding-DNA position 675, C replaced by T.
Protein change: p.Ile225=; no amino-acid change (isoleucine 225 retained).
Molecular consequence: synonymous variant.
Genome position (GRCh38, 1-based): chr9:130,476,948, C>T. VCF-style: chr9-130476948-C-T. GRCh37 (hg19) VCF-style: chr9-133352335-C-T.
Other names: p.I225I:ATC>ATT; c.675C>T, p.Ile225= (NM_000050.4).
Identifiers: ClinVar variation 203630 (VCV000203630.35), dbSNP rs58233547, ClinGen allele CA312350.